The following is an entry in ClinVar:

NM_017882.3(CLN6):c.179T>C (p.Phe60Ser)

Gene: CLN6 (CLN6 transmembrane ER protein; minus strand). Cytogenetic location: 15q23.
Variant type: single nucleotide variant.
Coding change: c.179T>C on transcript NM_017882.3 (MANE Select); coding-DNA position 179, T replaced by C.
Protein change: p.Phe60Ser; replaces phenylalanine 60 with serine.
Molecular consequence: missense variant.
Genome position (GRCh38, 1-based): chr15:68,218,555, A>G on the plus strand (T>C on the coding strand, the complement: CLN6 is on the minus strand). VCF-style: chr15-68218555-A-G. GRCh37 (hg19) VCF-style: chr15-68510893-A-G.
Other names: c.275T>C, p.Phe92Ser (NM_001411068.1); short protein forms F92S, F60S.
Identifiers: ClinVar variation 3703537 (VCV003703537.2).

ClinVar aggregate classification (germline): Uncertain significance (1 of 4 stars; one submission).

Conditions:
Neuronal ceroid lipofuscinosis. Also called: Neuronal Ceroid Lipofuscinoses. Identifiers: Orphanet 216, Orphanet 79263, MedGen C0027877, MONDO:0016295. Disease mechanism: loss of function.

Submission:

Labcorp Genetics (formerly Invitae), Labcorp
Classification: Uncertain significance for Neuronal ceroid lipofuscinosis. Last evaluated: 2024-04-09. Review status: criteria provided, single submitter. Criteria: Invitae Variant Classification Sherloc (09022015). Collection method: clinical testing. Allele origin: germline.
Comment: This sequence change replaces phenylalanine, which is neutral and non-polar, with serine, which is neutral and polar, at codon 60 of the CLN6 protein (p.Phe60Ser). This variant is not present in population databases (gnomAD no frequency). This variant has not been reported in the literature in individuals affected with CLN6-related conditions. Advanced modeling of protein sequence and biophysical properties (such as structural, functional, and spatial information, amino acid conservation, physicochemical variation, residue mobility, and thermodynamic stability) performed at Invitae indicates that this missense variant is not expected to disrupt CLN6 protein function with a negative predictive value of 80%. In summary, the available evidence is currently insufficient to determine the role of this variant in disease. Therefore, it has been classified as a Variant of Uncertain Significance.